The following is an entry in ClinVar:

ClinVar aggregate classification (germline): Conflicting classifications of pathogenicity. Review status: criteria provided, conflicting classifications (1 of 4 stars). 6 submissions from 6 submitters: Uncertain significance (3); Likely benign (3). Last evaluated 2026-02-04.

Conditions:
Ehlers-Danlos syndrome, classic type, 1 (EDSCL1). Also called: Ehlers-Danlos syndrome, type 1; EHLERS-DANLOS SYNDROME, GRAVIS TYPE; EHLERS-DANLOS SYNDROME, SEVERE CLASSIC TYPE; Ehlers-Danlos Syndrome, Classic Type, COL5A1-Related; EDS I. Identifiers: MedGen C0268335, MONDO:0019567, OMIM 130000.
Ehlers-Danlos syndrome, classic type, 2 (EDSCL2). Also called: Ehlers-Danlos syndrome, type 2; Ehlers-Danlos Syndrome, Classic Type, COL5A2-Related; Ehlers-Danlos syndrome type 2 (formerly). Identifiers: Orphanet 287, Orphanet 90318, MedGen C0268336, MONDO:0019568, OMIM 130010.
Familial thoracic aortic aneurysm and aortic dissection (TAAD). Also called: Thoracic aortic aneurysms and dissections. Identifiers: Orphanet 91387, MedGen C4707243, MONDO:0019625.

Allele frequency attached by ClinVar (database versions not stated): ExAC 0.00010; gnomAD exomes 0.00012; gnomAD 0.00013; TOPMed 0.00022; ESP Exome Variant Server 0.00023.
gnomAD v4.1: 320 of 1,613,712 alleles (0.02%); highest among the groups gnomAD compares: Non-Finnish European, 0.023%; no homozygotes.

Submissions (6):

Labcorp Genetics (formerly Invitae), Labcorp
Classification: Likely benign for Ehlers-Danlos syndrome, classic type, 1. Last evaluated: 2026-02-04. Review status: criteria provided, single submitter. Criteria: Invitae Variant Classification Sherloc (09022015). Collection method: clinical testing. Allele origin: germline.

Women's Health and Genetics/Laboratory Corporation of America, LabCorp
Classification: Likely benign. Last evaluated: 2025-09-04. Review status: criteria provided, single submitter. Criteria: LabCorp Variant Classification Summary - May 2015. Collection method: clinical testing. Allele origin: germline.
Comment: Variant summary: COL5A2 c.4358G>A (p.Arg1453Gln) results in a conservative amino acid change in the encoded protein sequence. Algorithms developed to predict the effect of missense changes on protein structure and function are either unavailable or do not agree on the potential impact of this missense change. The variant allele was found at a frequency of 0.00012 in 250808 control chromosomes. The observed variant frequency exceeds the estimated maximal expected allele frequency for disease-causing variants in COL5A2. To our knowledge, no occurrence of c.4358G>A in individuals affected with COL5A2-related conditions and no experimental evidence demonstrating its impact on protein function have been reported. ClinVar contains an entry for this variant (Variation ID: 213130). Based on the evidence outlined above, the variant was classified as likely benign.

Blueprint Genetics
Classification: Likely benign. Last evaluated: 2024-11-06. Review status: criteria provided, single submitter. Criteria: ACMG Guidelines, 2015. Collection method: clinical testing. Allele origin: germline.

Ambry Genetics
Classification: Uncertain significance for Familial thoracic aortic aneurysm and aortic dissection. Last evaluated: 2024-06-18. Review status: criteria provided, single submitter. Criteria: Ambry Variant Classification Scheme 2023. Collection method: clinical testing. Allele origin: germline.
Comment: The p.R1453Q variant (also known as c.4358G>A), located in coding exon 54 of the COL5A2 gene, results from a G to A substitution at nucleotide position 4358. The arginine at codon 1453 is replaced by glutamine, an amino acid with highly similar properties. This amino acid position is highly conserved in available vertebrate species. In addition, this alteration is predicted to be tolerated by in silico analysis. Since supporting evidence is limited at this time, the clinical significance of this alteration remains unclear.

ARUP Laboratories, Molecular Genetics and Genomics, ARUP Laboratories
Classification: Uncertain significance for Ehlers-Danlos syndrome, classic type, 2. Last evaluated: 2022-03-09. Review status: criteria provided, single submitter. Criteria: ARUP Molecular Germline Variant Investigation Process 2021. Collection method: clinical testing. Allele origin: germline.
Comment: The COL5A2 c.4358G>A; p.Arg1453Gln variant (rs149064715), to our knowledge, is not reported in the medical literature but is reported in ClinVar (Variation ID: 213130). This variant is found in the general population with an allele frequency of 0.012% (33/282,210 alleles) in the Genome Aggregation Database. The arginine at codon 1453 is moderately conserved, and computational analyses are uncertain whether this variant is neutral or deleterious (REVEL: 0.23). Due to limited information, the clinical significance of this variant is uncertain at this time.

GeneDx
Classification: Uncertain significance. Last evaluated: 2016-08-29. Review status: criteria provided, single submitter. Criteria: GeneDx Variant Classification (06012015). Collection method: clinical testing. Allele origin: germline. Affected: yes.
Comment: The R1453Q variant has not been published as a pathogenic variant, nor has it been reported as a benign variant to our knowledge. The R1453Q variant was not observed with any significant frequency in approximately 6,500 individuals of European and African American ancestry in the NHLBI Exome Sequencing Project. The R1453Q variant is a semi-conservative amino acid substitution, which may impact secondary protein structure as these residues differ in some properties. This substitution occurs at a position that is conserved in mammals. However, in silico analysis is inconsistent in its predictions as to whether or not the variant is damaging to the protein structure/function. Finally, the R1453Q variant does not affect a Glycine residue in a Gly-X-Y motif in the triple helical region of the COL5A2 gene, where the majority of pathogenic missense variants occur (Stenson et al., 2014; Symoens et al., 2012).Therefore, based on the currently available information, it is unclear whether this variant is pathogenic or rare benign.

NM_000393.5(COL5A2):c.4358G>A (p.Arg1453Gln)

Gene: COL5A2 (collagen type V alpha 2 chain; minus strand). Cytogenetic location: 2q32.2.
Variant type: single nucleotide variant.
Coding change: c.4358G>A on transcript NM_000393.5 (MANE Select); coding-DNA position 4358, G replaced by A.
Protein change: p.Arg1453Gln; replaces arginine 1453 with glutamine.
Molecular consequence: missense variant.
Genome position (GRCh38, 1-based): chr2:189,034,212, C>T on the plus strand (G>A on the coding strand, the complement: COL5A2 is on the minus strand). VCF-style: chr2-189034212-C-T. GRCh37 (hg19) VCF-style: chr2-189898938-C-T.
Other names: p.R1453Q:CGG>CAG; short protein forms R1453Q.
Identifiers: ClinVar variation 213130 (VCV000213130.23), dbSNP rs149064715, ClinGen allele CA320027.